The following is an entry in ClinVar:

NM_001065.4(TNFRSF1A):c.918C>A (p.Asn306Lys)

Gene: TNFRSF1A (TNF receptor superfamily member 1A; minus strand). Cytogenetic location: 12p13.31.
Variant type: single nucleotide variant.
Coding change: c.918C>A on transcript NM_001065.4 (MANE Select); coding-DNA position 918, C replaced by A.
Protein change: p.Asn306Lys; replaces asparagine 306 with lysine.
Molecular consequence: missense variant. On other transcripts: non-coding transcript variant (1).
Genome position (GRCh38, 1-based): chr12:6,329,917, G>T on the plus strand (C>A on the coding strand, the complement: TNFRSF1A is on the minus strand). VCF-style: chr12-6329917-G-T. GRCh37 (hg19) VCF-style: chr12-6439083-G-T.
Other names: p.Asn306Lys; c.594C>A, p.Asn198Lys (NM_001346091.2); c.459C>A, p.Asn153Lys (NM_001346092.2); short protein forms N153K, N198K, N306K.
Identifiers: ClinVar variation 2683182 (VCV002683182.4), dbSNP rs200325098, ClinGen allele CA6405326.
Genomic context (GRCh38, chr12:6,329,917, plus strand): 5'-CGCAAGGATGGGGTCAGCCCCCTGATAGGGTGGTGCCACCTCTCTGCGGGGAGCCGCAAA[G>T]TTGGGACAGTCACCGGGGGTATAGGTGGAGCTGGAGGTGAAGGTGGAACTGGGCACGGGA-3'
Protein context (NP_001056.1, residues 296-316): SSTYTPGDCP[Asn306Lys]FAAPRREVAP

ClinVar aggregate classification (germline): Uncertain significance. Review status: criteria provided, multiple submitters, no conflicts (2 of 4 stars). 2 submissions from 2 submitters: Uncertain significance (2). Last evaluated 2025-10-19.

Conditions:
TNF receptor-associated periodic fever syndrome (TRAPS) (FPF). Also called: FAMILIAL HIBERNIAN FEVER; TNF RECEPTOR-ASSOCIATED PERIODIC SYNDROME; TUMOR NECROSIS FACTOR RECEPTOR-ASSOCIATED PERIODIC SYNDROME; Autosomal Dominant Familial Periodic Fever; TNF Receptor-Associated Periodic Fever Syndrome; TNF receptor 1-associated periodic fever syndrome. Identifiers: Orphanet 32960, MedGen C1275126, MONDO:0007727, OMIM 142680.

Allele frequency attached by ClinVar (database versions not stated): gnomAD 0.00001; TOPMed 0.00001.
gnomAD v4.1: 2 of 1,573,002 alleles (0.00013%); highest among the groups gnomAD compares: African/African-American, 0.0014%; no homozygotes.

Submissions (2):

Labcorp Genetics (formerly Invitae), Labcorp
Classification: Uncertain significance for TNF receptor-associated periodic fever syndrome (TRAPS). Last evaluated: 2025-10-19. Review status: criteria provided, single submitter. Criteria: Invitae Variant Classification Sherloc (09022015). Collection method: clinical testing. Allele origin: germline.
Comment: This sequence change replaces asparagine, which is neutral and polar, with lysine, which is basic and polar, at codon 306 of the TNFRSF1A protein (p.Asn306Lys). This variant is present in population databases (rs200325098, gnomAD 0.005%). This variant has not been reported in the literature in individuals affected with TNFRSF1A-related conditions. ClinVar contains an entry for this variant (Variation ID: 2683182). An algorithm developed to predict the effect of missense changes on protein structure and function outputs the following: PolyPhen-2: "Benign". The lysine amino acid residue is found in multiple mammalian species, which suggests that this missense change does not adversely affect protein function. In summary, the available evidence is currently insufficient to determine the role of this variant in disease. Therefore, it has been classified as a Variant of Uncertain Significance.

Mayo Clinic Laboratories, Mayo Clinic
Classification: Uncertain significance. Last evaluated: 2022-07-06. Review status: criteria provided, single submitter. Criteria: ACMG Guidelines, 2015. Collection method: clinical testing. Allele origin: germline. Observed: 1 variant allele.
Comment: BP4